The following is an entry in ClinVar:

NM_001270974.2(HYDIN):c.6487G>A (p.Gly2163Arg)

Gene: HYDIN (HYDIN axonemal central pair apparatus protein; minus strand). Cytogenetic location: 16q22.2.
Variant type: single nucleotide variant.
Coding change: c.6487G>A on transcript NM_001270974.2 (MANE Select); coding-DNA position 6487, G replaced by A.
Protein change: p.Gly2163Arg; replaces glycine 2163 with arginine.
Molecular consequence: missense variant.
Genome position (GRCh38, 1-based): chr16:70,952,465, C>T on the plus strand (G>A on the coding strand, the complement: HYDIN is on the minus strand). VCF-style: chr16-70952465-C-T. GRCh37 (hg19) VCF-style: chr16-70986368-C-T.
Other names: short protein forms G2163R.
Identifiers: ClinVar variation 2672647 (VCV002672647.23), dbSNP rs201229133, ClinGen allele CA8150272.
Genomic context (GRCh38, chr16:70,952,465, plus strand): 5'-GAGCCCTGATTTGTACCTGTGGTGTTTCAGACTGGTGTGAGTGATGCTGCTTCTGTGACC[C>T]GGAGCCATGGCTGTCTGCCTTGCTTTTGGTGATCACCACGCTCCCACGAACACTCTTTCC-3'
Protein context (NP_001257903.1, residues 2153-2173): TKSKADSHGS[Gly2163Arg]SQKQHHSHQS

ClinVar aggregate classification (germline): Uncertain significance (1 of 4 stars; one submission).

Submission:

CeGaT Center for Human Genetics Tuebingen
Classification: Uncertain significance. Last evaluated: 2023-11-01. Review status: criteria provided, single submitter. Criteria: CeGaT Center For Human Genetics Tuebingen Variant Classification Criteria Version 2. Collection method: clinical testing. Allele origin: germline. Affected: yes. Observed: 1 variant allele.
Comment: HYDIN: PM2, BP4